The following is an entry in ClinVar:

NM_019594.4(LRRC8A):c.610G>C (p.Asp204His)

Gene: LRRC8A (leucine rich repeat containing 8 VRAC subunit A; plus strand). Cytogenetic location: 9q34.11.
Variant type: single nucleotide variant.
Coding change: c.610G>C on transcript NM_019594.4 (MANE Select); coding-DNA position 610, G replaced by C.
Protein change: p.Asp204His; replaces aspartic acid 204 with histidine.
Molecular consequence: missense variant.
Genome position (GRCh38, 1-based): chr9:128,907,774, G>C. VCF-style: chr9-128907774-G-C. GRCh37 (hg19) VCF-style: chr9-131670053-G-C.
Other names: c.610G>C, p.Asp204His (NM_001127244.2, NM_001127245.2); short protein forms D204H.
Identifiers: ClinVar variation 1393930 (VCV001393930.6), dbSNP rs2131018895, ClinGen allele CA375077097.

ClinVar aggregate classification (germline): Uncertain significance (1 of 4 stars; one submission).

Submission:

Labcorp Genetics (formerly Invitae), Labcorp
Classification: Uncertain significance. Last evaluated: 2021-11-18. Review status: criteria provided, single submitter. Criteria: Invitae Variant Classification Sherloc (09022015). Collection method: clinical testing. Allele origin: germline.
Comment: This variant is not present in population databases (gnomAD no frequency). In summary, the available evidence is currently insufficient to determine the role of this variant in disease. Therefore, it has been classified as a Variant of Uncertain Significance. Algorithms developed to predict the effect of missense changes on protein structure and function (SIFT, PolyPhen-2, Align-GVGD) all suggest that this variant is likely to be disruptive. This variant has not been reported in the literature in individuals affected with LRRC8A-related conditions. This sequence change replaces aspartic acid, which is acidic and polar, with histidine, which is basic and polar, at codon 204 of the LRRC8A protein (p.Asp204His).